The following is an entry in ClinVar:

NM_001031689.3(PLAA):c.1765G>C (p.Glu589Gln)

Gene: PLAA (phospholipase A2 activating protein; minus strand). Cytogenetic location: 9p21.2.
Variant type: single nucleotide variant.
Coding change: c.1765G>C on transcript NM_001031689.3 (MANE Select); coding-DNA position 1765, G replaced by C.
Protein change: p.Glu589Gln; replaces glutamic acid 589 with glutamine.
Molecular consequence: missense variant.
Genome position (GRCh38, 1-based): chr9:26,907,891, C>G on the plus strand (G>C on the coding strand, the complement: PLAA is on the minus strand). VCF-style: chr9-26907891-C-G. GRCh37 (hg19) VCF-style: chr9-26907889-C-G.
Other names: c.1696G>C, p.Glu566Gln (NM_001321546.2); short protein forms E566Q, E589Q.
Identifiers: ClinVar variation 1468099 (VCV001468099.6), dbSNP rs2131363823, ClinGen allele CA373128693.

ClinVar aggregate classification (germline): Uncertain significance (1 of 4 stars; one submission).

Submission:

Labcorp Genetics (formerly Invitae), Labcorp
Classification: Uncertain significance. Last evaluated: 2023-08-24. Review status: criteria provided, single submitter. Criteria: Invitae Variant Classification Sherloc (09022015). Collection method: clinical testing. Allele origin: germline.
Comment: In summary, the available evidence is currently insufficient to determine the role of this variant in disease. Therefore, it has been classified as a Variant of Uncertain Significance. Advanced modeling of protein sequence and biophysical properties (such as structural, functional, and spatial information, amino acid conservation, physicochemical variation, residue mobility, and thermodynamic stability) performed at Invitae indicates that this missense variant is not expected to disrupt PLAA protein function. ClinVar contains an entry for this variant (Variation ID: 1468099). This variant has not been reported in the literature in individuals affected with PLAA-related conditions. This variant is not present in population databases (gnomAD no frequency). This sequence change replaces glutamic acid, which is acidic and polar, with glutamine, which is neutral and polar, at codon 589 of the PLAA protein (p.Glu589Gln).